The following is an entry in ClinVar:

NM_000064.4(C3):c.3216G>T (p.Arg1072=)

Gene: C3 (complement C3; minus strand). Cytogenetic location: 19p13.3.
Variant type: single nucleotide variant.
Coding change: c.3216G>T on transcript NM_000064.4 (MANE Select); coding-DNA position 3216, G replaced by T.
Protein change: p.Arg1072=; no amino-acid change (arginine 1072 retained).
Molecular consequence: synonymous variant.
Genome position (GRCh38, 1-based): chr19:6,693,426, C>A on the plus strand (G>T on the coding strand, the complement: C3 is on the minus strand). VCF-style: chr19-6693426-C-A. GRCh37 (hg19) VCF-style: chr19-6693437-C-A.
Other names: p.Arg1072=; c.3216G>T (LRG_27t1).
Identifiers: ClinVar variation 330294 (VCV000330294.52), dbSNP rs137880434, ClinGen allele CA9128814.

ClinVar aggregate classification (germline): Benign/Likely benign. Review status: criteria provided, multiple submitters, no conflicts (2 of 4 stars). 14 submissions from 12 submitters: Benign (3); Likely benign (8). 3 of the submissions do not count toward it. Last evaluated 2026-02-01.

Conditions:
Age related macular degeneration 9. Identifiers: MedGen C1969651, MONDO:0012659, OMIM 611378.
Atypical hemolytic-uremic syndrome with C3 anomaly. Also called: AHUS, SUSCEPTIBILITY TO, 5. Identifiers: Orphanet 2134, MedGen C2752037, MONDO:0013043, OMIM 612925.
Complement component 3 deficiency. Identifiers: Orphanet 280133, MedGen C3151071, MONDO:0013417, OMIM 613779.
Atypical hemolytic-uremic syndrome. Identifiers: Orphanet 2134, MedGen C2931788, MONDO:0016244.

Allele frequency attached by ClinVar (database versions not stated): 1000 Genomes Project 30x 0.00047; 1000 Genomes Project 0.00060; gnomAD 0.00174 and 0.00183; gnomAD exomes 0.00178 and 0.00334; TOPMed 0.00178; ESP Exome Variant Server 0.00192; ExAC 0.00248.
gnomAD v4.1: 5,043 of 1,611,068 alleles (0.31%); highest among the groups gnomAD compares: Non-Finnish European, 0.41%; 14 homozygotes.

Submissions (14):

Labcorp Genetics (formerly Invitae), Labcorp
Classification: Benign. Last evaluated: 2026-02-01. Review status: criteria provided, single submitter. Criteria: Invitae Variant Classification Sherloc (09022015). Collection method: clinical testing. Allele origin: germline.

Women's Health and Genetics/Laboratory Corporation of America, LabCorp
Classification: Benign. Last evaluated: 2026-01-22. Review status: criteria provided, single submitter. Criteria: LabCorp Variant Classification Summary - May 2015. Collection method: clinical testing. Allele origin: germline.

Mayo Clinic Laboratories, Mayo Clinic
Classification: Likely benign. Last evaluated: 2025-11-11. Review status: criteria provided, single submitter. Criteria: ACMG Guidelines, 2015. Collection method: clinical testing. Allele origin: germline. Observed: 15 variant alleles.
Comment: BP4, BP7

CeGaT Center for Human Genetics Tuebingen
Classification: Likely benign. Last evaluated: 2025-08-01. Review status: criteria provided, single submitter. Criteria: CeGaT Center For Human Genetics Tuebingen Variant Classification Criteria Version 2. Collection method: clinical testing. Allele origin: germline. Affected: yes. Observed: 3 variant alleles.
Comment: C3: BP4, BP7, BS2

Blueprint Genetics
Classification: Likely benign. Last evaluated: 2024-11-01. Review status: criteria provided, single submitter. Criteria: ACMG Guidelines, 2015. Collection method: clinical testing. Allele origin: germline.

Genome Diagnostics Laboratory, The Hospital for Sick Children
Classification: Likely benign for Atypical hemolytic-uremic syndrome. Last evaluated: 2020-07-01. Review status: criteria provided, single submitter. Criteria: ACMG Guidelines, 2015. Collection method: clinical testing. Allele origin: germline.

Genetic Services Laboratory, University of Chicago
Classification: Likely benign. Last evaluated: 2018-03-29. Review status: criteria provided, single submitter. Criteria: ACMG Guidelines, 2015. Collection method: clinical testing. Allele origin: germline. Affected: no.

Illumina Laboratory Services, Illumina
Classification: Likely benign for Age related macular degeneration 9. Last evaluated: 2018-01-12. Review status: criteria provided, single submitter. Criteria: ICSL Variant Classification Criteria 13 December 2019. Collection method: clinical testing. Allele origin: germline.
Comment: This variant was observed in the ICSL laboratory as part of a predisposition screen in an ostensibly healthy population. It had not been previously curated by ICSL or reported in the Human Gene Mutation Database (HGMD: prior to June 1st, 2018), and was therefore a candidate for classification through an automated scoring system. Utilizing variant allele frequency, disease prevalence and penetrance estimates, and inheritance mode, an automated score was calculated to assess if this variant is too frequent to cause the disease. Based on the score and internal cut-off values, a variant classified as likely benign is not then subjected to further curation. The score for this variant resulted in a classification of likely benign for this disease.

Illumina Laboratory Services, Illumina
Classification: Benign for Atypical hemolytic-uremic syndrome with C3 anomaly. Last evaluated: 2018-01-12. Review status: criteria provided, single submitter. Criteria: ICSL Variant Classification Criteria 13 December 2019. Collection method: clinical testing. Allele origin: germline.
Comment: This variant was observed in the ICSL laboratory as part of a predisposition screen in an ostensibly healthy population. It had not been previously curated by ICSL or reported in the Human Gene Mutation Database (HGMD: prior to June 1st, 2018), and was therefore a candidate for classification through an automated scoring system. Utilizing variant allele frequency, disease prevalence and penetrance estimates, and inheritance mode, an automated score was calculated to assess if this variant is too frequent to cause the disease. Based on the score and internal cut-off values, a variant classified as benign is not then subjected to further curation. The score for this variant resulted in a classification of benign for this disease.

Illumina Laboratory Services, Illumina
Classification: Likely benign for Complement component 3 deficiency. Last evaluated: 2018-01-12. Review status: criteria provided, single submitter. Criteria: ICSL Variant Classification Criteria 13 December 2019. Collection method: clinical testing. Allele origin: germline.
Comment: the same text as in the submission from Illumina Laboratory Services, Illumina above.

Breakthrough Genomics
Classification: Likely benign. Review status: criteria provided, single submitter. Criteria: ACMG Guidelines, 2015. Collection method: not provided. Allele origin: germline. Inheritance: Autosomal recessive inheritance. Affected: yes.

Clinical Genetics DNA and cytogenetics Diagnostics Lab, Erasmus MC, Erasmus Medical Center
Classification: Likely benign. Review status: no assertion criteria provided. Collection method: clinical testing. Allele origin: germline. Affected: yes. Study: VKGL Data-share Consensus. Not counted in ClinVar's aggregate classification.

Genome Diagnostics Laboratory, University Medical Center Utrecht
Classification: Benign. Review status: no assertion criteria provided. Collection method: clinical testing. Allele origin: germline. Affected: yes. Study: VKGL Data-share Consensus. Not counted in ClinVar's aggregate classification.

Joint Genome Diagnostic Labs from Nijmegen and Maastricht, Radboudumc and MUMC+
Classification: Likely benign. Review status: no assertion criteria provided. Collection method: clinical testing. Allele origin: germline. Affected: yes. Study: VKGL Data-share Consensus. Not counted in ClinVar's aggregate classification.